The following is an entry in ClinVar:

NM_020320.5(RARS2):c.1679G>A (p.Arg560His)

Gene: RARS2 (arginyl-tRNA synthetase 2, mitochondrial; minus strand). Cytogenetic location: 6q15.
Variant type: single nucleotide variant.
Coding change: c.1679G>A on transcript NM_020320.5 (MANE Select); coding-DNA position 1679, G replaced by A.
Protein change: p.Arg560His; replaces arginine 560 with histidine.
Molecular consequence: missense variant. On other transcripts: non-coding transcript variant (23).
Genome position (GRCh38, 1-based): chr6:87,514,471, C>T on the plus strand (G>A on the coding strand, the complement: RARS2 is on the minus strand). VCF-style: chr6-87514471-C-T. GRCh37 (hg19) VCF-style: chr6-88224189-C-T.
Other names: p.R560H:CGT>CAT; c.1154G>A, p.Arg385His (NM_001318785.2, NM_001350506.2, NM_001350507.2 and 4 more transcripts); c.1679G>A, p.Arg560His (NM_001350505.2); c.1679G>A (NM_020320.4); short protein forms R560H, R385H.
Identifiers: ClinVar variation 215071 (VCV000215071.19), dbSNP rs756502974, ClinGen allele CA322233.

ClinVar aggregate classification (germline): Conflicting classifications of pathogenicity. Review status: criteria provided, conflicting classifications (1 of 4 stars). 9 submissions from 9 submitters: Pathogenic (2); Likely pathogenic (4); Uncertain significance (3). Last evaluated 2026-01-20.

Conditions:
Pontocerebellar hypoplasia type 6 (PCH6). Identifiers: Orphanet 166073, MedGen C1969084, MONDO:0012683, OMIM 611523.

Allele frequency attached by ClinVar (database versions not stated): ExAC 0.00003; gnomAD 0.00001; TOPMed 0.00001; gnomAD exomes 0.00002 and 0.00003.

Submissions (9):

Labcorp Genetics (formerly Invitae), Labcorp
Classification: Pathogenic. Last evaluated: 2026-01-20. Review status: criteria provided, single submitter. Criteria: Invitae Variant Classification Sherloc (09022015). Collection method: clinical testing. Allele origin: germline.
Comment: This sequence change replaces arginine, which is basic and polar, with histidine, which is basic and polar, at codon 560 of the RARS2 protein (p.Arg560His). This variant is present in population databases (rs756502974, gnomAD 0.02%). This missense change has been observed in individual(s) with clinical features of RARS2-related conditions (PMID: 31618753, 31665838, 35068129; internal data). In at least one individual the data is consistent with being in trans (on the opposite chromosome) from a pathogenic variant. ClinVar contains an entry for this variant (Variation ID: 215071). Invitae Evidence Modeling of protein sequence and biophysical properties (such as structural, functional, and spatial information, amino acid conservation, physicochemical variation, residue mobility, and thermodynamic stability) has been performed for this missense variant. However, the output from this modeling did not meet the statistical confidence thresholds required to predict the impact of this variant on RARS2 protein function. For these reasons, this variant has been classified as Pathogenic.

Victorian Clinical Genetics Services, Murdoch Childrens Research Institute
Classification: Likely pathogenic for Pontocerebellar hypoplasia type 6. Last evaluated: 2025-06-16. Review status: criteria provided, single submitter. Criteria: ACMG Guidelines, 2015. Collection method: clinical testing. Allele origin: germline. Affected: no.
Comment: This variant is classified as Likely pathogenic. Evidence in support of pathogenic classification: Variant is present in gnomAD <0.01 for a recessive condition (v4: 27 heterozygote(s), 0 homozygote(s)); This variant has strong previous evidence of pathogenicity in unrelated individuals. This variant has been classified as pathogenic and likely pathogenic in ClinVar; in addition, there are VUS entries. This variant has also been identified in multiple unrelated compound heterozygous individuals with RARS2-related features, as well as a more mildly affected homozygous individual (PMID: 39567597, 38831166, 31618753, 38943518). Evidence in support of benign classification: Same amino acid change has been observed in placental mammals. Additional information: Variant is predicted to result in a missense amino acid change from arginine to histidine; This variant is heterozygous; This gene is associated with autosomal recessive disease; Alternative amino acid change(s) at the same position are present in gnomAD (highest alelle count: v4: 303 heterozygote(s), 4 homozygote(s); No published functional evidence has been identified for this variant; Other missense variant(s) comparable to the one identified in this case have inconclusive previous evidence for pathogenicity. p.(Arg560Leu) has been classified as a VUS in ClinVar, and p.(Arg560Cys) has been classified as a VUS, likely benign and benign in ClinVar; Variant is located in the annotated DALR anticodon binding domain (DECIPHER); Loss of function is a known mechanism of disease in this gene and is associated with pontocerebellar hypoplasia, type 6 (MIM#611523); Variants in this gene are known to have variable expressivity (OMIM); Parental origin of the variant is unresolved.

Natera, Inc.
Classification: Likely pathogenic for Pontocerebellar hypoplasia, type 6. Last evaluated: 2025-04-12. Review status: criteria provided, single submitter. Criteria: Natera Variant Classification Schema (03/2026). Collection method: clinical testing. Allele origin: germline.
Comment: The c.1679G>A variant in RARS2 is a missense variant predicted to cause substitution of arginine to histidine at amino acid 560. This variant is rare in the general population with a frequency below the threshold expected for the associated phenotype(s). This variant has been observed in one or more individuals affected with the associated recessive disease, as either homozygous or compound heterozygous with a second variant (PMID: 31618753, 35068129). This variant has been identified in one or more affected individuals with a phenotype highly consistent with the associated gene (PMID: 33120460). Computational prediction algorithms indicate this variant is likely to affect gene or protein function. Given the available evidence, this variant is classified as Likely Pathogenic.

GeneDx
Classification: Likely pathogenic. Last evaluated: 2024-06-26. Review status: criteria provided, single submitter. Criteria: GeneDx Variant Classification Process June 2021. Collection method: clinical testing. Allele origin: germline. Affected: yes.
Comment: In silico analysis supports that this missense variant has a deleterious effect on protein structure/function; This variant is associated with the following publications: (PMID: 31665838, 33120460, 31618753, 35068129, 35468344)

Baylor Genetics
Classification: Likely pathogenic for Pontocerebellar hypoplasia type 6. Last evaluated: 2024-03-27. Review status: criteria provided, single submitter. Criteria: ACMG Guidelines, 2015. Collection method: clinical testing. Allele origin: unknown.

Revvity Omics, Revvity
Classification: Uncertain significance for Pontocerebellar hypoplasia type 6. Last evaluated: 2023-11-02. Review status: criteria provided, single submitter. Criteria: ACMG Guidelines, 2015. Collection method: clinical testing. Allele origin: germline.

Department of Pathology and Laboratory Medicine, Sinai Health System
Classification: Uncertain significance for Pontocerebellar hypoplasia type 6. Last evaluated: 2023-01-26. Review status: criteria provided, single submitter. Criteria: ACMG Guidelines, 2015. Collection method: research. Allele origin: germline.

Fulgent Genetics
Classification: Uncertain significance for Pontocerebellar hypoplasia type 6. Last evaluated: 2018-10-31. Review status: criteria provided, single submitter. Criteria: ACMG Guidelines, 2015. Collection method: clinical testing. Allele origin: unknown.

Clinical Genetics Service, Universitary Hospital 12 de Octubre
Classification: Pathogenic for Pontocerebellar hypoplasia type 6. Review status: criteria provided, single submitter. Criteria: ACMG Guidelines, 2015. Collection method: clinical testing. Allele origin: germline. Affected: yes.

Literature cited by the submitters: PubMed 31618753 (cited by Labcorp Genetics (formerly Invitae), Labcorp and Natera, Inc.); PubMed 31665838 (cited by Labcorp Genetics (formerly Invitae), Labcorp); PubMed 35068129 (cited by Labcorp Genetics (formerly Invitae), Labcorp and Natera, Inc.); PubMed 33120460 (cited by Natera, Inc.).